The following is an entry in ClinVar:

NM_004994.3(MMP9):c.813C>A (p.Cys271Ter)

Gene: MMP9 (matrix metallopeptidase 9; plus strand). Cytogenetic location: 20q13.12.
Variant type: single nucleotide variant.
Coding change: c.813C>A on transcript NM_004994.3 (MANE Select); coding-DNA position 813, C replaced by A.
Protein change: p.Cys271Ter; replaces cysteine 271 with a stop codon.
Molecular consequence: nonsense.
Genome position (GRCh38, 1-based): chr20:46,011,306, C>A. VCF-style: chr20-46011306-C-A. GRCh37 (hg19) VCF-style: chr20-44639945-C-A.
Other names: short protein forms C271*.
Identifiers: ClinVar variation 4726564 (VCV004726564.1).

ClinVar aggregate classification (germline): Uncertain significance (1 of 4 stars; one submission).

gnomAD v4.1: 1 of 1,604,518 alleles (0.000062%); highest among the groups gnomAD compares: Non-Finnish European, 0.000085%; no homozygotes.

Submission:

Labcorp Genetics (formerly Invitae), Labcorp
Classification: Uncertain significance. Last evaluated: 2025-09-09. Review status: criteria provided, single submitter. Criteria: Invitae Variant Classification Sherloc (09022015). Collection method: clinical testing. Allele origin: germline.
Comment: This sequence change creates a premature translational stop signal (p.Cys271*) in the MMP9 gene. It is expected to result in an absent or disrupted protein product. However, the current clinical and genetic evidence is not sufficient to establish whether loss-of-function variants in MMP9 cause disease. This variant is not present in population databases (gnomAD no frequency). This variant has not been reported in the literature in individuals affected with MMP9-related conditions. In summary, the available evidence is currently insufficient to determine the role of this variant in disease. Therefore, it has been classified as a Variant of Uncertain Significance.